The following is an entry in ClinVar:

NM_007294.4(BRCA1):c.1501A>G (p.Lys501Glu)

Gene: BRCA1 (BRCA1 DNA repair associated; minus strand). Cytogenetic location: 17q21.31.
Variant type: single nucleotide variant.
Coding change: c.1501A>G on transcript NM_007294.4 (MANE Select); coding-DNA position 1501, A replaced by G.
Protein change: p.Lys501Glu; replaces lysine 501 with glutamic acid.
Molecular consequence: missense variant. On other transcripts: intron variant (137).
Genome position (GRCh38, 1-based): chr17:43,094,030, T>C on the plus strand (A>G on the coding strand, the complement: BRCA1 is on the minus strand). VCF-style: chr17-43094030-T-C. GRCh37 (hg19) VCF-style: chr17-41246047-T-C.
Other names: c.1288A>G, p.Lys430Glu (NM_001407571.1, NM_001407853.1, NM_001407894.1 and 9 more transcripts); c.1501A>G, p.Lys501Glu (NM_001407581.1, NM_001407582.1, NM_001407583.1 and 30 more transcripts); c.1498A>G, p.Lys500Glu (NM_001407587.1, NM_001407590.1, NM_001407591.1 and 22 more transcripts); c.1492A>G, p.Lys498Glu (NM_001407646.1, NM_001407647.1); c.1378A>G, p.Lys460Glu (NM_001407648.1, NM_001407664.1, NM_001407665.1 and 19 more transcripts); c.1375A>G, p.Lys459Glu (NM_001407649.1, NM_001407670.1, NM_001407671.1 and 11 more transcripts); c.1423A>G, p.Lys475Glu (NM_001407653.1, NM_001407654.1, NM_001407655.1 and 4 more transcripts); c.1420A>G, p.Lys474Glu (NM_001407659.1, NM_001407660.1, NM_001407661.1 and 1 more transcripts); and 40 more; short protein forms K501E, K454E, K389E, K453E, K459E, K500E, K333E, K390E.
Identifiers: ClinVar variation 419456 (VCV000419456.16), dbSNP rs1064793883, ClinGen allele CA10599044.

ClinVar aggregate classification (germline): Conflicting classifications of pathogenicity. Review status: criteria provided, conflicting classifications (1 of 4 stars). 3 submissions from 3 submitters: Uncertain significance (2); Likely benign (1). Last evaluated 2023-03-23.

Conditions:
Hereditary cancer-predisposing syndrome. Also called: Hereditary neoplastic syndrome; Tumor predisposition; Neoplastic Syndromes, Hereditary; Hereditary Cancer Syndrome. Identifiers: Orphanet 140162, MedGen C0027672, MeSH D009386, MONDO:0015356.
Hereditary breast ovarian cancer syndrome. Also called: Hereditary breast and ovarian cancer; Hereditary breast and/or ovarian cancer syndrome; Hereditary breast and ovarian cancer syndrome; Hereditary breast and ovarian cancer syndrome (HBOC); Breast and ovarian cancer; BRCA1- and BRCA2-Associated Hereditary Breast and Ovarian Cancer. Identifiers: Orphanet 145, MedGen C0677776, MeSH D061325, MONDO:0003582. Disease mechanism: loss of function.

Submissions (3):

University of Washington Department of Laboratory Medicine, University of Washington
Classification: Likely benign for Hereditary cancer-predisposing syndrome. Last evaluated: 2023-03-23. Review status: criteria provided, single submitter. Criteria: Dines et al. (Genet Med. 2020). Collection method: curation. Allele origin: germline.
Comment: Missense variant in a coldspot region where missense variants are very unlikely to be pathogenic (PMID:31911673).

BRCA1 coldspot (exon 11 using historical exon numbering). Reclassification based on statistical prior probability

Labcorp Genetics (formerly Invitae), Labcorp
Classification: Uncertain significance for Hereditary breast ovarian cancer syndrome. Last evaluated: 2022-11-10. Review status: criteria provided, single submitter. Criteria: Invitae Variant Classification Sherloc (09022015). Collection method: clinical testing. Allele origin: germline.
Comment: This sequence change replaces lysine, which is basic and polar, with glutamic acid, which is acidic and polar, at codon 501 of the BRCA1 protein (p.Lys501Glu). This variant is not present in population databases (gnomAD no frequency). This variant has not been reported in the literature in individuals affected with BRCA1-related conditions. ClinVar contains an entry for this variant (Variation ID: 419456). Advanced modeling of protein sequence and biophysical properties (such as structural, functional, and spatial information, amino acid conservation, physicochemical variation, residue mobility, and thermodynamic stability) performed at Invitae indicates that this missense variant is not expected to disrupt BRCA1 protein function. In summary, the available evidence is currently insufficient to determine the role of this variant in disease. Therefore, it has been classified as a Variant of Uncertain Significance.

GeneDx
Classification: Uncertain significance. Last evaluated: 2022-10-13. Review status: criteria provided, single submitter. Criteria: GeneDx Variant Classification Process June 2021. Collection method: clinical testing. Allele origin: germline. Affected: yes.
Comment: Not observed at significant frequency in large population cohorts (gnomAD); In silico analysis supports that this missense variant has a deleterious effect on protein structure/function; Has not been previously published as pathogenic or benign to our knowledge; Also known as 1620A>G; This variant is associated with the following publications: (PMID: 15343273)